The following is an entry in ClinVar:

ClinVar aggregate classification (germline): Conflicting classifications of pathogenicity. Review status: criteria provided, conflicting classifications (1 of 4 stars). 2 submissions from 2 submitters: Uncertain significance (1); Likely benign (1). Last evaluated 2023-08-28.

Allele frequency attached by ClinVar (database versions not stated): TOPMed 0.00006; ESP Exome Variant Server 0.00008; gnomAD 0.00008; ExAC 0.00011; gnomAD exomes 0.00012; 1000 Genomes Project 30x 0.00031; 1000 Genomes Project 0.00040.
gnomAD v4.1: 188 of 1,614,074 alleles (0.012%); highest among the groups gnomAD compares: Admixed American, 0.028%; no homozygotes.

Submissions (2):

Ambry Genetics
Classification: Likely benign. Last evaluated: 2023-08-28. Review status: criteria provided, single submitter. Criteria: Ambry Variant Classification Scheme 2023. Collection method: clinical testing. Allele origin: germline.

Labcorp Genetics (formerly Invitae), Labcorp
Classification: Uncertain significance. Last evaluated: 2023-07-17. Review status: criteria provided, single submitter. Criteria: Invitae Variant Classification Sherloc (09022015). Collection method: clinical testing. Allele origin: germline.
Comment: In summary, the available evidence is currently insufficient to determine the role of this variant in disease. Therefore, it has been classified as a Variant of Uncertain Significance. Algorithms developed to predict the effect of missense changes on protein structure and function output the following: SIFT: "Not Available"; PolyPhen-2: "Benign"; Align-GVGD: "Not Available". The cysteine amino acid residue is found in multiple mammalian species, which suggests that this missense change does not adversely affect protein function. This variant has not been reported in the literature in individuals affected with ADCY10-related conditions. This variant is present in population databases (rs138171940, gnomAD 0.03%). This sequence change replaces tyrosine, which is neutral and polar, with cysteine, which is neutral and slightly polar, at codon 462 of the ADCY10 protein (p.Tyr462Cys).

NM_018417.6(ADCY10):c.1385A>G (p.Tyr462Cys)

Genes: ADCY10 (adenylate cyclase 10; minus strand), DCAF6 (DDB1 and CUL4 associated factor 6; plus strand). Cytogenetic location: 1q24.2.
Variant type: single nucleotide variant.
Coding change: c.1385A>G on transcript NM_018417.6 (MANE Select); coding-DNA position 1385, A replaced by G.
Protein change: p.Tyr462Cys; replaces tyrosine 462 with cysteine.
Molecular consequence: missense variant.
Genome position (GRCh38, 1-based): chr1:167,878,467, T>C on the plus strand (A>G on the coding strand, the complement: ADCY10 is on the minus strand). VCF-style: chr1-167878467-T-C. GRCh37 (hg19) VCF-style: chr1-167847705-T-C.
Other names: c.926A>G, p.Tyr309Cys (NM_001167749.3); c.1109A>G, p.Tyr370Cys (NM_001297772.2); short protein forms Y370C, Y309C, Y462C.
Identifiers: ClinVar variation 2592146 (VCV002592146.5), dbSNP rs138171940, ClinGen allele CA1227971.